The following is an entry in ClinVar:

ClinVar aggregate classification (germline): Likely benign (1 of 4 stars; one submission).

Conditions:
SEMA3D-related disorder. Also called: SEMA3D-related condition.

Submission:

PreventionGenetics, part of Exact Sciences
Classification: Likely benign for SEMA3D-related condition. Last evaluated: 2025-10-06. Review status: criteria provided, single submitter. Criteria: ACMG Guidelines, 2015. Collection method: clinical testing. Allele origin: germline.
Comment: This variant is classified as likely benign based on ACMG/AMP sequence variant interpretation guidelines (Richards et al. 2015 PMID: 25741868, with internal and published modifications).

NM_001384900.1(SEMA3D):c.1545+8T>C

Gene: SEMA3D (semaphorin 3D; minus strand). Cytogenetic location: 7q21.11.
Variant type: single nucleotide variant.
Coding change: c.1545+8T>C on transcript NM_001384900.1 (MANE Select); 8 bases into the intron after coding-DNA position 1545, T replaced by C.
Molecular consequence: intron variant.
Genome position (GRCh38, 1-based): chr7:85,018,244, A>G on the plus strand (T>C on the coding strand, the complement: SEMA3D is on the minus strand). VCF-style: chr7-85018244-A-G. GRCh37 (hg19) VCF-style: chr7-84647560-A-G.
Other names: c.1545+8T>C (NM_001384901.1, NM_001384903.1, NM_001384902.1 and 1 more transcripts).
Identifiers: ClinVar variation 4993960 (VCV004993960.1).